The following is an entry in ClinVar:

ClinVar aggregate classification (germline): Conflicting classifications of pathogenicity. Review status: criteria provided, conflicting classifications (1 of 4 stars). 2 submissions from 2 submitters: Pathogenic (1); Uncertain significance (1). Last evaluated 2024-11-28.

Allele frequency attached by ClinVar (database versions not stated): gnomAD exomes below 0.00001 and 0.00001; gnomAD 0.00001; TOPMed 0.00001.
gnomAD v4.1: 6 of 1,535,144 alleles (0.00039%); highest among the groups gnomAD compares: East Asian, 0.0024%; no homozygotes.

Submissions (2):

Dasa
Classification: Uncertain significance. Last evaluated: 2024-11-28. Review status: criteria provided, single submitter. Criteria: DASA Assertion Criteria. Collection method: clinical testing. Allele origin: germline.
Comment: NM_001195263.2(PDZD7):c.2716C>T (p.Gln906*) is a nonsense variant in PDZD7 predicted to introduce a premature termination codon and is predicted to result in an absent or altered protein product. This variant is rare in population databases. The currently available literature and clinical evidence are not sufficient to establish a definitive association between this variant and the reported condition. Therefore, this variant is classified as a variant of uncertain significance.

Labcorp Genetics (formerly Invitae), Labcorp
Classification: Pathogenic. Last evaluated: 2023-07-14. Review status: criteria provided, single submitter. Criteria: Invitae Variant Classification Sherloc (09022015). Collection method: clinical testing. Allele origin: germline.
Comment: For these reasons, this variant has been classified as Pathogenic. This variant disrupts a region of the PDZD7 protein in which other variant(s) (p.Arg933del) have been determined to be pathogenic (Invitae). This suggests that this is a clinically significant region of the protein, and that variants that disrupt it are likely to be disease-causing. Algorithms developed to predict the effect of sequence changes on RNA splicing suggest that this variant may create or strengthen a splice site. ClinVar contains an entry for this variant (Variation ID: 859908). This variant has not been reported in the literature in individuals affected with PDZD7-related conditions. This variant is present in population databases (no rsID available, gnomAD 0.002%). This sequence change creates a premature translational stop signal (p.Gln906*) in the PDZD7 gene. While this is not anticipated to result in nonsense mediated decay, it is expected to disrupt the last 128 amino acid(s) of the PDZD7 protein.

NM_001195263.2(PDZD7):c.2716C>T (p.Gln906Ter)

Gene: PDZD7 (PDZ domain containing 7; minus strand). Cytogenetic location: 10q24.31.
Variant type: single nucleotide variant.
Coding change: c.2716C>T on transcript NM_001195263.2 (MANE Select); coding-DNA position 2716, C replaced by T.
Protein change: p.Gln906Ter; replaces glutamine 906 with a stop codon.
Molecular consequence: nonsense.
Genome position (GRCh38, 1-based): chr10:101,009,252, G>A on the plus strand (C>T on the coding strand, the complement: PDZD7 is on the minus strand). VCF-style: chr10-101009252-G-A. GRCh37 (hg19) VCF-style: chr10-102769009-G-A.
Other names: short protein forms Q906*.
Identifiers: ClinVar variation 859908 (VCV000859908.10), dbSNP rs1488207344, ClinGen allele CA378223507.